The following is an entry in ClinVar:

NM_031433.4(MFRP):c.1057G>A (p.Glu353Lys)

Genes: C1QTNF5 (C1q and TNF related 5; minus strand), MFRP (membrane frizzled-related protein; minus strand). Cytogenetic location: 11q23.3.
Variant type: single nucleotide variant.
Coding change: c.1057G>A on transcript NM_031433.4 (MANE Select); coding-DNA position 1057, G replaced by A.
Protein change: p.Glu353Lys; replaces glutamic acid 353 with lysine.
Molecular consequence: missense variant. On other transcripts: 5 prime UTR variant (1).
Genome position (GRCh38, 1-based): chr11:119,343,883, C>T on the plus strand (G>A on the coding strand, the complement: MFRP is on the minus strand). VCF-style: chr11-119343883-C-T. GRCh37 (hg19) VCF-style: chr11-119214593-C-T.
Other names: c.-1580G>A (NM_015645.5); short protein forms E353K.
Identifiers: ClinVar variation 970230 (VCV000970230.8), dbSNP rs563717527, ClinGen allele CA6320271.

ClinVar aggregate classification (germline): Uncertain significance. Review status: criteria provided, multiple submitters, no conflicts (2 of 4 stars). 3 submissions from 3 submitters: Uncertain significance (3). Last evaluated 2025-11-11.

Conditions:
Isolated microphthalmia 5. Also called: Posterior Microphthalmia with Retinitis Pigmentosa, Foveoschisis, and Optic Disc Drusen. Identifiers: Orphanet 251279, MedGen C1970236, MONDO:0012605, OMIM 611040.
Inborn genetic diseases. Identifiers: MedGen C0950123, MeSH D030342.

Allele frequency attached by ClinVar (database versions not stated): TOPMed 0.00003; gnomAD exomes 0.00003; 1000 Genomes Project 0.00040; ExAC 0.00001; 1000 Genomes Project 30x 0.00031.
gnomAD v4.1: 47 of 1,613,942 alleles (0.0029%); highest among the groups gnomAD compares: Middle Eastern, 0.016%; no homozygotes.

Submissions (3):

Ambry Genetics
Classification: Uncertain significance for Inborn genetic diseases. Last evaluated: 2025-11-11. Review status: criteria provided, single submitter. Criteria: Ambry Variant Classification Scheme 2023. Collection method: clinical testing. Allele origin: germline.

Labcorp Genetics (formerly Invitae), Labcorp
Classification: Uncertain significance for Isolated microphthalmia 5. Last evaluated: 2024-03-11. Review status: criteria provided, single submitter. Criteria: Invitae Variant Classification Sherloc (09022015). Collection method: clinical testing. Allele origin: germline.
Comment: This sequence change replaces glutamic acid, which is acidic and polar, with lysine, which is basic and polar, at codon 353 of the MFRP protein (p.Glu353Lys). This variant is present in population databases (rs563717527, gnomAD 0.01%). This variant has not been reported in the literature in individuals affected with MFRP-related conditions. ClinVar contains an entry for this variant (Variation ID: 970230). Advanced modeling of protein sequence and biophysical properties (such as structural, functional, and spatial information, amino acid conservation, physicochemical variation, residue mobility, and thermodynamic stability) performed at Invitae indicates that this missense variant is not expected to disrupt MFRP protein function with a negative predictive value of 80%. In summary, the available evidence is currently insufficient to determine the role of this variant in disease. Therefore, it has been classified as a Variant of Uncertain Significance.

Blueprint Genetics
Classification: Uncertain significance. Last evaluated: 2019-11-12. Review status: criteria provided, single submitter. Criteria: ACMG Guidelines, 2015. Collection method: clinical testing. Allele origin: germline.